The following is an entry in ClinVar:

ClinVar aggregate classification (germline): Pathogenic (1 of 4 stars; one submission).

Conditions:
Inborn genetic diseases. Identifiers: MedGen C0950123, MeSH D030342.

Submission:

Ambry Genetics
Classification: Pathogenic for Inborn genetic diseases. Last evaluated: 2024-10-15. Review status: criteria provided, single submitter. Criteria: Ambry Variant Classification Scheme 2023. Collection method: clinical testing. Allele origin: germline.
Comment: The c.266delC (p.S89*) alteration, located in exon 4 (coding exon 4) of the RPS6KA3 gene, consists of a deletion of one nucleotide at position 266, causing a translational frameshift with a predicted alternate stop codon at amino acid position 89. This alteration is expected to result in loss of function by premature protein truncation or nonsense-mediated mRNA decay. This variant was not reported in population-based cohorts in the Genome Aggregation Database (gnomAD). Based on the available evidence, this alteration is classified as pathogenic.

NM_004586.3(RPS6KA3):c.266del (p.Ile88_Ser89insTer)

Gene: RPS6KA3 (ribosomal protein S6 kinase A3; minus strand). Cytogenetic location: Xp22.12.
Variant type: Deletion.
Coding change: c.266del on transcript NM_004586.3 (MANE Select); coding-DNA position 266, one base deleted (C; older notation c.266delC).
Protein change: p.Ile88_Ser89insTer.
Molecular consequence: nonsense.
Genome position (GRCh38, 1-based): chrX:20,204,081, G deleted on the plus strand (C on the coding strand, the reverse complement: RPS6KA3 is on the minus strand). VCF-style (leftmost placement, unchanged base first): chrX-20204080-TG-T. GRCh37 (hg19) VCF-style: chrX-20222198-TG-T.
Identifiers: ClinVar variation 3435353 (VCV003435353.1).
Genomic context (GRCh38, chrX:20,204,080, plus strand): 5'-ACCTTTCAGTGTGGCCTTCTTCAATACCTTCATGGCATAAAGCTGCCTAGCATCAGAGCC[TG>T]AGATTTTTTTAACTAAGAAAACCTGCATTTAAGTAAGAGAAAATAAATATTACAAAGTAG-3'